The following is an entry in ClinVar:

NM_148960.3(CLDN19):c.206C>T (p.Ser69Leu)

Gene: CLDN19 (claudin 19; minus strand). Cytogenetic location: 1p34.2.
Variant type: single nucleotide variant.
Coding change: c.206C>T on transcript NM_148960.3 (MANE Select); coding-DNA position 206, C replaced by T.
Protein change: p.Ser69Leu; replaces serine 69 with leucine.
Molecular consequence: missense variant.
Genome position (GRCh38, 1-based): chr1:42,739,858, G>A on the plus strand (C>T on the coding strand, the complement: CLDN19 is on the minus strand). VCF-style: chr1-42739858-G-A. GRCh37 (hg19) VCF-style: chr1-43205529-G-A.
Other names: c.206C>T, p.Ser69Leu (NM_001123395.2, NM_001185117.2); c.206C>T (NM_148960.2); short protein forms S69L.
Identifiers: ClinVar variation 1394901 (VCV001394901.6), dbSNP rs373645751, ClinGen allele CA801457.

ClinVar aggregate classification (germline): Uncertain significance. Review status: criteria provided, multiple submitters, no conflicts (2 of 4 stars). 5 submissions from 5 submitters: Uncertain significance (5). Last evaluated 2025-08-25.

Conditions:
CLDN19-related disorder. Also called: CLDN19-related condition.
Inborn genetic diseases. Identifiers: MedGen C0950123, MeSH D030342.
Renal hypomagnesemia 5 with ocular involvement. Also called: HYPOMAGNESEMIA 5, RENAL, WITH OR WITHOUT OCULAR INVOLVEMENT; FHHNC WITH SEVERE OCULAR INVOLVEMENT; HYPOMAGNESEMIA, FAMILIAL, WITH HYPERCALCIURIA, NEPHROCALCINOSIS, AND SEVERE OCULAR INVOLVEMENT; MACULAR COLOBOMA, BILATERAL, WITH HYPERCALCIURIA. Identifiers: Orphanet 2196, MedGen C4721891, MONDO:0009548, OMIM 248190.

Allele frequency attached by ClinVar (database versions not stated): gnomAD 0.00003 and 0.00004; gnomAD exomes 0.00003; ExAC 0.00004; TOPMed 0.00004; ESP Exome Variant Server 0.00015.
gnomAD v4.1: 52 of 1,612,920 alleles (0.0032%); highest among the groups gnomAD compares: Admixed American, 0.005%; no homozygotes.

Submissions (5):

Ambry Genetics
Classification: Uncertain significance for Inborn genetic diseases. Last evaluated: 2025-08-25. Review status: criteria provided, single submitter. Criteria: Ambry Variant Classification Scheme 2023. Collection method: clinical testing. Allele origin: germline.

GeneDx
Classification: Uncertain significance. Last evaluated: 2024-05-07. Review status: criteria provided, single submitter. Criteria: GeneDx Variant Classification Process June 2021. Collection method: clinical testing. Allele origin: germline. Affected: yes.
Comment: In silico analysis supports that this missense variant has a deleterious effect on protein structure/function; Has not been previously published as pathogenic or benign to our knowledge

PreventionGenetics, part of Exact Sciences
Classification: Uncertain significance for CLDN19-related condition. Last evaluated: 2023-08-23. Review status: criteria provided, single submitter. Criteria: ACMG Guidelines, 2015. Collection method: clinical testing. Allele origin: germline.
Comment: The CLDN19 c.206C>T variant is predicted to result in the amino acid substitution p.Ser69Leu. To our knowledge, this variant has not been reported in the literature. This variant is reported in 0.0057% of alleles in individuals of Latino descent in gnomAD. At this time, the clinical significance of this variant is uncertain due to the absence of conclusive functional and genetic evidence.

Fulgent Genetics
Classification: Uncertain significance for Renal hypomagnesemia 5 with ocular involvement. Last evaluated: 2022-02-09. Review status: criteria provided, single submitter. Criteria: ACMG Guidelines, 2015. Collection method: clinical testing. Allele origin: unknown.

Labcorp Genetics (formerly Invitae), Labcorp
Classification: Uncertain significance. Last evaluated: 2021-12-22. Review status: criteria provided, single submitter. Criteria: Invitae Variant Classification Sherloc (09022015). Collection method: clinical testing. Allele origin: germline.
Comment: This sequence change replaces serine, which is neutral and polar, with leucine, which is neutral and non-polar, at codon 69 of the CLDN19 protein (p.Ser69Leu). This variant is present in population databases (rs373645751, gnomAD 0.006%). This variant has not been reported in the literature in individuals affected with CLDN19-related conditions. Algorithms developed to predict the effect of missense changes on protein structure and function are either unavailable or do not agree on the potential impact of this missense change (SIFT: "Deleterious"; PolyPhen-2: "Probably Damaging"; Align-GVGD: "Class C0"). In summary, the available evidence is currently insufficient to determine the role of this variant in disease. Therefore, it has been classified as a Variant of Uncertain Significance.